The following is an entry in ClinVar:

NM_014336.5(AIPL1):c.476C>T (p.Pro159Leu)

Gene: AIPL1 (AIP like 1 HSP90 co-chaperone; minus strand). Cytogenetic location: 17p13.2.
Variant type: single nucleotide variant.
Coding change: c.476C>T on transcript NM_014336.5 (MANE Select); coding-DNA position 476, C replaced by T.
Protein change: p.Pro159Leu; replaces proline 159 with leucine.
Molecular consequence: missense variant. On other transcripts: intron variant (1).
Genome position (GRCh38, 1-based): chr17:6,427,047, G>A on the plus strand (C>T on the coding strand, the complement: AIPL1 is on the minus strand). VCF-style: chr17-6427047-G-A. GRCh37 (hg19) VCF-style: chr17-6330367-G-A.
Other names: c.287C>T, p.Pro96Leu (NM_001033054.3); c.296C>T, p.Pro99Leu (NM_001033055.3); c.440C>T, p.Pro147Leu (NM_001285399.3); c.410C>T, p.Pro137Leu (NM_001285400.3); c.476C>T, p.Pro159Leu (NM_001285401.3); c.359C>T, p.Pro120Leu (NM_001285402.2); c.466-14C>T (NM_001285403.4); short protein forms P120L, P137L, P147L, P159L, P96L, P99L.
Identifiers: ClinVar variation 1004478 (VCV001004478.7), dbSNP rs141575827, ClinGen allele CA8328484.

ClinVar aggregate classification (germline): Uncertain significance. Review status: criteria provided, multiple submitters, no conflicts (2 of 4 stars). 2 submissions from 2 submitters: Uncertain significance (2). Last evaluated 2023-09-14.

Conditions:
Leber congenital amaurosis 4 (LCA4). Identifiers: MedGen C1858386, MONDO:0011458, OMIM 604393.

Allele frequency attached by ClinVar (database versions not stated): gnomAD 0.00001 and 0.00002; TOPMed 0.00001; ExAC 0.00002; gnomAD exomes 0.00002 and 0.00003; ESP Exome Variant Server 0.00008; 1000 Genomes Project 30x 0.00031; 1000 Genomes Project 0.00040.

Submissions (2):

Blueprint Genetics
Classification: Uncertain significance. Last evaluated: 2023-09-14. Review status: criteria provided, single submitter. Criteria: ACMG Guidelines, 2015. Collection method: clinical testing. Allele origin: germline.

Labcorp Genetics (formerly Invitae), Labcorp
Classification: Uncertain significance for Leber congenital amaurosis 4. Last evaluated: 2022-02-08. Review status: criteria provided, single submitter. Criteria: Invitae Variant Classification Sherloc (09022015). Collection method: clinical testing. Allele origin: germline.
Comment: This sequence change replaces proline, which is neutral and non-polar, with leucine, which is neutral and non-polar, at codon 159 of the AIPL1 protein (p.Pro159Leu). This variant is present in population databases (rs141575827, gnomAD 0.02%). This variant has not been reported in the literature in individuals affected with AIPL1-related conditions. ClinVar contains an entry for this variant (Variation ID: 1004478). Algorithms developed to predict the effect of missense changes on protein structure and function (SIFT, PolyPhen-2, Align-GVGD) all suggest that this variant is likely to be disruptive. In summary, the available evidence is currently insufficient to determine the role of this variant in disease. Therefore, it has been classified as a Variant of Uncertain Significance.